The following is an entry in ClinVar:

ClinVar aggregate classification (germline): Uncertain significance (1 of 4 stars; one submission).

Conditions:
RASopathy. Also called: rasopathies; Noonan spectrum disorder. Identifiers: Orphanet 536391, MedGen C5555857, MONDO:0021060.

gnomAD v4.1: 1 of 1,614,086 alleles (0.000062%); no homozygotes.

Submission:

Labcorp Genetics (formerly Invitae), Labcorp
Classification: Uncertain significance for RASopathy. Last evaluated: 2025-06-16. Review status: criteria provided, single submitter. Criteria: Invitae Variant Classification Sherloc (09022015). Collection method: clinical testing. Allele origin: germline.
Comment: This sequence change replaces cysteine, which is neutral and slightly polar, with phenylalanine, which is neutral and non-polar, at codon 567 of the CBL protein (p.Cys567Phe). This variant is not present in population databases (gnomAD no frequency). This variant has not been reported in the literature in individuals affected with CBL-related conditions. Invitae Evidence Modeling of protein sequence and biophysical properties (such as structural, functional, and spatial information, amino acid conservation, physicochemical variation, residue mobility, and thermodynamic stability) indicates that this missense variant is not expected to disrupt CBL protein function with a negative predictive value of 95%. In summary, the available evidence is currently insufficient to determine the role of this variant in disease. Therefore, it has been classified as a Variant of Uncertain Significance.

NM_005188.4(CBL):c.1700G>T (p.Cys567Phe)

Gene: CBL (Cbl proto-oncogene; plus strand). Cytogenetic location: 11q23.3.
Variant type: single nucleotide variant.
Coding change: c.1700G>T on transcript NM_005188.4 (MANE Select); coding-DNA position 1700, G replaced by T.
Protein change: p.Cys567Phe; replaces cysteine 567 with phenylalanine.
Molecular consequence: missense variant.
Genome position (GRCh38, 1-based): chr11:119,285,325, G>T. VCF-style: chr11-119285325-G-T. GRCh37 (hg19) VCF-style: chr11-119156035-G-T.
Other names: short protein forms C567F.
Identifiers: ClinVar variation 4800619 (VCV004800619.1).